The following is an entry in ClinVar:

ClinVar aggregate classification (germline): Uncertain significance (1 of 4 stars; one submission).

Conditions:
Walker-Warburg congenital muscular dystrophy. Also called: Muscular dystrophy-dystroglycanopathy, type A; Walker-Warburg syndrome. Identifiers: Orphanet 899, MedGen C0265221, MONDO:0000171.

Submission:

Labcorp Genetics (formerly Invitae), Labcorp
Classification: Uncertain significance for Walker-Warburg congenital muscular dystrophy. Last evaluated: 2021-08-17. Review status: criteria provided, single submitter. Criteria: Invitae Variant Classification Sherloc (09022015). Collection method: clinical testing. Allele origin: germline.
Comment: This variant is not present in population databases (ExAC no frequency). This variant has not been reported in the literature in individuals affected with FKRP-related conditions. Algorithms developed to predict the effect of missense changes on protein structure and function are either unavailable or do not agree on the potential impact of this missense change (SIFT: "Deleterious"; PolyPhen-2: "Benign"; Align-GVGD: "Class C0"). In summary, the available evidence is currently insufficient to determine the role of this variant in disease. Therefore, it has been classified as a Variant of Uncertain Significance. This sequence change replaces glutamine with arginine at codon 77 of the FKRP protein (p.Gln77Arg). The glutamine residue is moderately conserved and there is a small physicochemical difference between glutamine and arginine.

NM_024301.5(FKRP):c.230A>G (p.Gln77Arg)

Gene: FKRP (fukutin related protein; plus strand). Cytogenetic location: 19q13.32.
Variant type: single nucleotide variant.
Coding change: c.230A>G on transcript NM_024301.5 (MANE Select); coding-DNA position 230, A replaced by G.
Protein change: p.Gln77Arg; replaces glutamine 77 with arginine.
Molecular consequence: missense variant.
Genome position (GRCh38, 1-based): chr19:46,755,680, A>G. VCF-style: chr19-46755680-A-G. GRCh37 (hg19) VCF-style: chr19-47258937-A-G.
Other names: c.230A>G, p.Gln77Arg (NM_001039885.3); short protein forms Q77R.
Identifiers: ClinVar variation 1365746 (VCV001365746.6), dbSNP rs2122611366, ClinGen allele CA406494925.